The following is an entry in ClinVar:

NC_000023.10:g.(?_32235013)_(33229429_?)dup

Gene: DMD (dystrophin; minus strand). Cytogenetic location: Xp21.1.
Variant type: Duplication.
Identifiers: ClinVar variation 3242765 (VCV003242765.1).

ClinVar aggregate classification (germline): Uncertain significance (1 of 4 stars; one submission).

Conditions:
Duchenne muscular dystrophy (DMD). Also called: MUSCULAR DYSTROPHY, PSEUDOHYPERTROPHIC PROGRESSIVE, DUCHENNE TYPE; Duchenne Muscular Dystrophy (DMD). Identifiers: Orphanet 98896, MedGen C0013264, MONDO:0010679, OMIM 310200.

Submission:

Labcorp Genetics (formerly Invitae), Labcorp
Classification: Uncertain significance for Duchenne muscular dystrophy. Last evaluated: 2023-08-07. Review status: criteria provided, single submitter. Criteria: Invitae Variant Classification Sherloc (09022015). Collection method: clinical testing. Allele origin: unknown.
Comment: In summary, the available evidence is currently insufficient to determine the role of this variant in disease. Therefore, it has been classified as a Variant of Uncertain Significance. This variant has not been reported in the literature in individuals affected with DMD-related conditions. This variant results in a copy number gain of the genomic region encompassing exon(s) 1-44 of the DMD gene. This region includes the initiator codon of the gene. This copy number gain extends beyond the assayed region for this gene and therefore may encompass additional genes. As the precise location of this event is unknown, it may be in tandem or it may be located elsewhere in the genome.